The following is an entry in ClinVar:

NM_000293.3(PHKB):c.2958G>A (p.Thr986=)

Gene: PHKB (phosphorylase kinase regulatory subunit beta; plus strand). Cytogenetic location: 16q12.1.
Variant type: single nucleotide variant.
Coding change: c.2958G>A on transcript NM_000293.3 (MANE Select); coding-DNA position 2958, G replaced by A.
Protein change: p.Thr986=; no amino-acid change (threonine 986 retained).
Molecular consequence: synonymous variant.
Genome position (GRCh38, 1-based): chr16:47,696,443, G>A. VCF-style: chr16-47696443-G-A. GRCh37 (hg19) VCF-style: chr16-47730354-G-A.
Other names: c.2937G>A, p.Thr979= (NM_001031835.3); c.2958G>A, p.Thr986= (NM_001363837.1).
Identifiers: ClinVar variation 510577 (VCV000510577.9), dbSNP rs748651257, ClinGen allele CA8041382.

ClinVar aggregate classification (germline): Likely benign. Review status: criteria provided, multiple submitters, no conflicts (2 of 4 stars). 2 submissions from 2 submitters: Likely benign (2). Last evaluated 2026-01-20.

Conditions:
Glycogen storage disease IXb (GSD9B). Also called: GLYCOGENOSIS OF LIVER AND MUSCLE, AUTOSOMAL RECESSIVE; GSD IXb; PHOSPHORYLASE KINASE DEFICIENCY OF LIVER AND MUSCLE, AUTOSOMAL RECESSIVE. Identifiers: Orphanet 79240, MedGen C0543514, MONDO:0009868, OMIM 261750.

Allele frequency attached by ClinVar (database versions not stated): gnomAD exomes 0.00002 and 0.00008; TOPMed 0.00002; gnomAD 0.00003 and 0.00004; ExAC 0.00004.
gnomAD v4.1: 32 of 1,610,656 alleles (0.002%); highest among the groups gnomAD compares: Admixed American, 0.038%; no homozygotes.

Submissions (2):

Labcorp Genetics (formerly Invitae), Labcorp
Classification: Likely benign for Glycogen storage disease IXb. Last evaluated: 2026-01-20. Review status: criteria provided, single submitter. Criteria: Invitae Variant Classification Sherloc (09022015). Collection method: clinical testing. Allele origin: germline.

GeneDx
Classification: Likely benign. Last evaluated: 2017-07-19. Review status: criteria provided, single submitter. Criteria: GeneDx Variant Classification (06012015). Collection method: clinical testing. Allele origin: germline. Affected: yes.
Comment: This variant is considered likely benign or benign based on one or more of the following criteria: it is a conservative change, it occurs at a poorly conserved position in the protein, it is predicted to be benign by multiple in silico algorithms, and/or has population frequency not consistent with disease.